The following is an entry in ClinVar:

ClinVar aggregate classification (germline): Likely benign (0 of 4 stars; one submission).

Conditions:
NCOA1-related disorder. Also called: NCOA1-related condition.

gnomAD v4.1: 1 of 1,614,222 alleles (0.000062%); highest among the groups gnomAD compares: African/African-American, 0.0013%; no homozygotes.

Submission:

PreventionGenetics, part of Exact Sciences
Classification: Likely benign for NCOA1-related condition. Last evaluated: 2021-03-31. Review status: no assertion criteria provided. Collection method: clinical testing. Allele origin: germline.
Comment: This variant is classified as likely benign based on ACMG/AMP sequence variant interpretation guidelines (Richards et al. 2015 PMID: 25741868, with internal and published modifications).

NM_003743.5(NCOA1):c.1714A>C (p.Arg572=)

Gene: NCOA1 (nuclear receptor coactivator 1; plus strand). Cytogenetic location: 2p23.3.
Variant type: single nucleotide variant.
Coding change: c.1714A>C on transcript NM_003743.5 (MANE Select); coding-DNA position 1714, A replaced by C.
Protein change: p.Arg572=; no amino-acid change (arginine 572 retained).
Molecular consequence: synonymous variant.
Genome position (GRCh38, 1-based): chr2:24,707,184, A>C. VCF-style: chr2-24707184-A-C. GRCh37 (hg19) VCF-style: chr2-24930053-A-C.
Other names: c.1714A>C, p.Arg572= (NM_001362950.1, NM_001362952.1, NM_001362954.1 and 3 more transcripts).
Identifiers: ClinVar variation 3357074 (VCV003357074.1).
Genomic context (GRCh38, chr2:24,707,184, plus strand): 5'-GTTGGCTTCTCTGCCAGTTCTCCAGTCCTCAGGCAGATGAGCTCACAGAATTCACCTAGC[A>C]GATTAAATATACAACCAGCAAAAGCTGAGTCCAAAGATAACAAAGAGATTGCCTCAATTT-3'
Protein context (NP_003734.3, residues 562-582): RQMSSQNSPS[Arg572=]LNIQPAKAES